The following is an entry in ClinVar:

ClinVar aggregate classification (germline): Uncertain significance (1 of 4 stars; one submission).

Conditions:
DICER1-related tumor predisposition. Also called: DICER1-related pleuropulmonary blastoma cancer predisposition syndrome; DICER1 syndrome. Identifiers: Orphanet 284343, MedGen C3839822, MONDO:0100216.

Submission:

Labcorp Genetics (formerly Invitae), Labcorp
Classification: Uncertain significance for DICER1-related tumor predisposition. Last evaluated: 2023-07-31. Review status: criteria provided, single submitter. Criteria: Invitae Variant Classification Sherloc (09022015). Collection method: clinical testing. Allele origin: germline.
Comment: In summary, the available evidence is currently insufficient to determine the role of this variant in disease. Therefore, it has been classified as a Variant of Uncertain Significance. This sequence change replaces glutamic acid, which is acidic and polar, with aspartic acid, which is acidic and polar, at codon 1828 of the DICER1 protein (p.Glu1828Asp). This variant is not present in population databases (gnomAD no frequency). This variant has not been reported in the literature in individuals affected with DICER1-related conditions. ClinVar contains an entry for this variant (Variation ID: 2005297). An algorithm developed to predict the effect of missense changes on protein structure and function (PolyPhen-2) suggests that this variant is likely to be tolerated.

NM_177438.3(DICER1):c.5484G>C (p.Glu1828Asp)

Gene: DICER1 (dicer 1, ribonuclease III; minus strand). Cytogenetic location: 14q32.13.
Variant type: single nucleotide variant.
Coding change: c.5484G>C on transcript NM_177438.3 (MANE Select); coding-DNA position 5484, G replaced by C.
Protein change: p.Glu1828Asp; replaces glutamic acid 1828 with aspartic acid.
Molecular consequence: missense variant. On other transcripts: non-coding transcript variant (6), intron variant (1).
Genome position (GRCh38, 1-based): chr14:95,091,246, C>G on the plus strand (G>C on the coding strand, the complement: DICER1 is on the minus strand). VCF-style: chr14-95091246-C-G. GRCh37 (hg19) VCF-style: chr14-95557583-C-G.
Other names: c.5484G>C, p.Glu1828Asp (NM_001271282.3, NM_001291628.2, NM_001395677.1 and 8 more transcripts); c.5202G>C, p.Glu1734Asp (NM_001395686.1); c.5079G>C, p.Glu1693Asp (NM_001395687.1, NM_001395688.1, NM_001395689.1 and 1 more transcripts); c.4917G>C, p.Glu1639Asp (NM_001395691.1); c.3801G>C, p.Glu1267Asp (NM_001395697.1); c.5365-137G>C (NM_001195573.1); short protein forms E1693D, E1734D, E1828D, E1267D, E1639D.
Identifiers: ClinVar variation 2005297 (VCV002005297.4), dbSNP rs2139776816, ClinGen allele CA390864552.